The following is an entry in ClinVar:

NM_001035.3(RYR2):c.7199G>A (p.Gly2400Glu)

Gene: RYR2 (ryanodine receptor 2; plus strand). Cytogenetic location: 1q43.
Variant type: single nucleotide variant.
Coding change: c.7199G>A on transcript NM_001035.3 (MANE Select); coding-DNA position 7199, G replaced by A.
Protein change: p.Gly2400Glu; replaces glycine 2400 with glutamic acid.
Molecular consequence: missense variant.
Genome position (GRCh38, 1-based): chr1:237,640,980, G>A. VCF-style: chr1-237640980-G-A. GRCh37 (hg19) VCF-style: chr1-237804280-G-A.
Other names: short protein forms G2400E.
Identifiers: ClinVar variation 858817 (VCV000858817.11), dbSNP rs1681408105, ClinGen allele CA345396787.
Genomic context (GRCh38, chr1:237,640,980, plus strand): 5'-ACACTATCCACATGGGGAACGCGATCATGACCTTCTATTCAGCTTTGATTGACCTCTTGG[G>A]ACGCTGTGCTCCTGAGATGCATGTGAGTTTCTGGGAGTTCAGGAGCAGCAATCCTGATTT-3'
Protein context (NP_001026.2, residues 2390-2410): TFYSALIDLL[Gly2400Glu]RCAPEMHLIH

ClinVar aggregate classification (germline): Uncertain significance (1 of 4 stars; one submission).

Conditions:
Catecholaminergic polymorphic ventricular tachycardia 1. Also called: VENTRICULAR TACHYCARDIA, CATECHOLAMINERGIC POLYMORPHIC, 1, WITH OR WITHOUT ATRIAL DYSFUNCTION AND/OR DILATED CARDIOMYOPATHY; VENTRICULAR TACHYCARDIA, STRESS-INDUCED POLYMORPHIC 1; RYR2-Related Catecholaminergic Polymorphic Ventricular Tachycardia. Identifiers: Orphanet 3286, MedGen C1631597, MONDO:0011484, OMIM 604772.

Submission:

Labcorp Genetics (formerly Invitae), Labcorp
Classification: Uncertain significance for Catecholaminergic polymorphic ventricular tachycardia 1. Last evaluated: 2022-07-06. Review status: criteria provided, single submitter. Criteria: Invitae Variant Classification Sherloc (09022015). Collection method: clinical testing. Allele origin: germline.
Comment: In summary, the available evidence is currently insufficient to determine the role of this variant in disease. Therefore, it has been classified as a Variant of Uncertain Significance. Advanced modeling of protein sequence and biophysical properties (such as structural, functional, and spatial information, amino acid conservation, physicochemical variation, residue mobility, and thermodynamic stability) performed at Invitae indicates that this missense variant is expected to disrupt RYR2 protein function. This sequence change replaces glycine, which is neutral and non-polar, with glutamic acid, which is acidic and polar, at codon 2400 of the RYR2 protein (p.Gly2400Glu). This variant is not present in population databases (gnomAD no frequency). This variant has not been reported in the literature in individuals affected with RYR2-related conditions. ClinVar contains an entry for this variant (Variation ID: 858817).